The following is an entry in ClinVar:

ClinVar aggregate classification (germline): Benign/Likely benign. Review status: criteria provided, multiple submitters, no conflicts (2 of 4 stars). 3 submissions from 3 submitters: Benign (1); Likely benign (1). 1 of the submissions does not count toward it. Last evaluated 2024-02-16.

Conditions:
PKHD1-related disorder. Also called: PKHD1-related condition.
Polycystic kidney disease 4 (PKD4). Also called: POLYCYSTIC KIDNEY DISEASE 4 WITH OR WITHOUT POLYCYSTIC LIVER DISEASE; POLYCYSTIC KIDNEY AND HEPATIC DISEASE 1; POLYCYSTIC KIDNEY DISEASE, INFANTILE, TYPE I; PKD3; Autosomal Recessive Polycystic Kidney Disease – PKHD1. Identifiers: MedGen C4540575, MONDO:0033004, OMIM 263200.
Autosomal recessive polycystic kidney disease (ARPKD). Also called: AR polycystic kidney disease. Identifiers: Orphanet 731, Orphanet 8378, MedGen C0085548, MeSH D017044, MONDO:0009889.

Submissions (3):

Labcorp Genetics (formerly Invitae), Labcorp
Classification: Benign for Autosomal recessive polycystic kidney disease. Last evaluated: 2024-02-16. Review status: criteria provided, single submitter. Criteria: Invitae Variant Classification Sherloc (09022015). Collection method: clinical testing. Allele origin: germline.

Fulgent Genetics
Classification: Likely benign for Polycystic kidney disease 4. Last evaluated: 2021-08-30. Review status: criteria provided, single submitter. Criteria: ACMG Guidelines, 2015. Collection method: clinical testing. Allele origin: unknown.

PreventionGenetics, part of Exact Sciences
Classification: Likely benign for PKHD1-related condition. Last evaluated: 2023-10-12. Review status: no assertion criteria provided. Collection method: clinical testing. Allele origin: germline. Not counted in ClinVar's aggregate classification.
Comment: This variant is classified as likely benign based on ACMG/AMP sequence variant interpretation guidelines (Richards et al. 2015 PMID: 25741868, with internal and published modifications).

NM_138694.4(PKHD1):c.6333-13dup

Gene: PKHD1 (PKHD1 ciliary IPT domain containing fibrocystin/polyductin; minus strand). Cytogenetic location: 6p12.2.
Variant type: Duplication.
Coding change: c.6333-13dup on transcript NM_138694.4 (MANE Select); 13 bases into the intron before coding-DNA position 6333, one base duplicated (T; older notation c.6333-13dupT).
Molecular consequence: intron variant.
Genome position (GRCh38, 1-based): chr6:51,911,963, A duplicated on the plus strand (T on the coding strand, the reverse complement: PKHD1 is on the minus strand); the first of 7 consecutive A bases (chr6:51,911,963-51,911,969); duplicating any one gives the same sequence. VCF-style (leftmost placement, unchanged base first): chr6-51911962-G-GA. GRCh37 (hg19) VCF-style: chr6-51776760-G-GA.
Other names: c.6333-13dup (NM_170724.3); c.6333-7dup (NM_138694.4); c.6333-7dupT (NM_138694.3).
Identifiers: ClinVar variation 1164745 (VCV001164745.12), dbSNP rs138161138, ClinGen allele CA3852276.